The following is an entry in ClinVar:

ClinVar aggregate classification (germline): Likely benign (1 of 4 stars; one submission).

Conditions:
Cataract 18 (CATC2). Also called: CATARACT 18, AUTOSOMAL RECESSIVE. Identifiers: Orphanet 91492, Orphanet 98991, Orphanet 98992, Orphanet 98995, MedGen C1864908, MONDO:0012395, OMIM 610019.

Allele frequency attached by ClinVar (database versions not stated): 1000 Genomes Project 0.00100; 1000 Genomes Project 30x 0.00109; gnomAD 0.00129 and 0.00130; TOPMed 0.00190.

Submission:

Illumina Laboratory Services, Illumina
Classification: Likely benign for Cataract 18. Last evaluated: 2018-01-12. Review status: criteria provided, single submitter. Criteria: ICSL Variant Classification Criteria 13 December 2019. Collection method: clinical testing. Allele origin: germline.
Comment: This variant was observed in the ICSL laboratory as part of a predisposition screen in an ostensibly healthy population. It had not been previously curated by ICSL or reported in the Human Gene Mutation Database (HGMD: prior to June 1st, 2018), and was therefore a candidate for classification through an automated scoring system. Utilizing variant allele frequency, disease prevalence and penetrance estimates, and inheritance mode, an automated score was calculated to assess if this variant is too frequent to cause the disease. Based on the score and internal cut-off values, a variant classified as likely benign is not then subjected to further curation. The score for this variant resulted in a classification of likely benign for this disease.

NM_024513.4(FYCO1):c.*3560C>A

Gene: FYCO1 (FYVE and coiled-coil domain autophagy adaptor 1; minus strand). Cytogenetic location: 3p21.31.
Variant type: single nucleotide variant.
Coding change: c.*3560C>A on transcript NM_024513.4 (MANE Select); 3560 bases downstream of the stop codon, C replaced by A.
Molecular consequence: 3 prime UTR variant.
Genome position (GRCh38, 1-based): chr3:45,918,205, G>T on the plus strand (C>A on the coding strand, the complement: FYCO1 is on the minus strand). VCF-style: chr3-45918205-G-T. GRCh37 (hg19) VCF-style: chr3-45959697-G-T.
Identifiers: ClinVar variation 903566 (VCV000903566.4), dbSNP rs185588322, ClinGen allele CA73641356.